The following is an entry in ClinVar:

ClinVar aggregate classification (germline): Uncertain significance (1 of 4 stars; one submission).

gnomAD v4.1: 1 of 1,613,758 alleles (0.000062%); highest among the groups gnomAD compares: Admixed American, 0.0017%; no homozygotes.

Submission:

Labcorp Genetics (formerly Invitae), Labcorp
Classification: Uncertain significance. Last evaluated: 2024-04-27. Review status: criteria provided, single submitter. Criteria: Invitae Variant Classification Sherloc (09022015). Collection method: clinical testing. Allele origin: germline.
Comment: This sequence change replaces proline, which is neutral and non-polar, with threonine, which is neutral and polar, at codon 476 of the PLG protein (p.Pro476Thr). This variant is not present in population databases (gnomAD no frequency). This variant has not been reported in the literature in individuals affected with PLG-related conditions. Advanced modeling of protein sequence and biophysical properties (such as structural, functional, and spatial information, amino acid conservation, physicochemical variation, residue mobility, and thermodynamic stability) performed at Invitae indicates that this missense variant is not expected to disrupt PLG protein function with a negative predictive value of 80%. In summary, the available evidence is currently insufficient to determine the role of this variant in disease. Therefore, it has been classified as a Variant of Uncertain Significance.

NM_000301.5(PLG):c.1426C>A (p.Pro476Thr)

Gene: PLG (plasminogen; plus strand). Cytogenetic location: 6q26.
Variant type: single nucleotide variant.
Coding change: c.1426C>A on transcript NM_000301.5 (MANE Select); coding-DNA position 1426, C replaced by A.
Protein change: p.Pro476Thr; replaces proline 476 with threonine.
Molecular consequence: missense variant.
Genome position (GRCh38, 1-based): chr6:160,731,220, C>A. VCF-style: chr6-160731220-C-A. GRCh37 (hg19) VCF-style: chr6-161152252-C-A.
Other names: short protein forms P476T.
Identifiers: ClinVar variation 3711933 (VCV003711933.2).